The following is an entry in ClinVar:

NM_016239.4(MYO15A):c.3988C>T (p.Arg1330Cys)

Gene: MYO15A (myosin XVA; plus strand). Cytogenetic location: 17p11.2.
Variant type: single nucleotide variant.
Coding change: c.3988C>T on transcript NM_016239.4 (MANE Select); coding-DNA position 3988, C replaced by T.
Protein change: p.Arg1330Cys; replaces arginine 1330 with cysteine.
Molecular consequence: missense variant.
Genome position (GRCh38, 1-based): chr17:18,127,121, C>T. VCF-style: chr17-18127121-C-T. GRCh37 (hg19) VCF-style: chr17-18030435-C-T.
Other names: short protein forms R1330C.
Identifiers: ClinVar variation 889066 (VCV000889066.30), dbSNP rs374131038, ClinGen allele CA8423680.

ClinVar aggregate classification (germline): Uncertain significance. Review status: criteria provided, multiple submitters, no conflicts (2 of 4 stars). 7 submissions from 7 submitters: Uncertain significance (7). Last evaluated 2025-10-22.

Conditions:
Inborn genetic diseases. Identifiers: MedGen C0950123, MeSH D030342.
Autosomal recessive nonsyndromic hearing loss 3. Also called: NEUROSENSORY NONSYNDROMIC RECESSIVE DEAFNESS 3. Identifiers: Orphanet 90636, MedGen C1838263, MONDO:0010860, OMIM 600316.

Allele frequency attached by ClinVar (database versions not stated): gnomAD 0.00008 and 0.00010; ExAC 0.00009; gnomAD exomes 0.00009 and 0.00019; TOPMed 0.00010; ESP Exome Variant Server 0.00016; 1000 Genomes Project 30x 0.00031; 1000 Genomes Project 0.00040.

Submissions (7):

Ambry Genetics
Classification: Uncertain significance for Inborn genetic diseases. Last evaluated: 2025-10-22. Review status: criteria provided, single submitter. Criteria: Ambry Variant Classification Scheme 2023. Collection method: clinical testing. Allele origin: germline.

CeGaT Center for Human Genetics Tuebingen
Classification: Uncertain significance. Last evaluated: 2025-06-01. Review status: criteria provided, single submitter. Criteria: CeGaT Center For Human Genetics Tuebingen Variant Classification Criteria Version 2. Collection method: clinical testing. Allele origin: germline. Affected: yes. Observed: 2 variant alleles.
Comment: MYO15A: PM1, PM2

Blueprint Genetics
Classification: Uncertain significance. Last evaluated: 2024-11-22. Review status: criteria provided, single submitter. Criteria: ACMG Guidelines, 2015. Collection method: clinical testing. Allele origin: germline.

Labcorp Genetics (formerly Invitae), Labcorp
Classification: Uncertain significance. Last evaluated: 2024-11-11. Review status: criteria provided, single submitter. Criteria: Invitae Variant Classification Sherloc (09022015). Collection method: clinical testing. Allele origin: germline.
Comment: This sequence change replaces arginine, which is basic and polar, with cysteine, which is neutral and slightly polar, at codon 1330 of the MYO15A protein (p.Arg1330Cys). This variant is present in population databases (rs374131038, gnomAD 0.01%). This variant has not been reported in the literature in individuals affected with MYO15A-related conditions. ClinVar contains an entry for this variant (Variation ID: 889066). Invitae Evidence Modeling of protein sequence and biophysical properties (such as structural, functional, and spatial information, amino acid conservation, physicochemical variation, residue mobility, and thermodynamic stability) has been performed for this missense variant. However, the output from this modeling did not meet the statistical confidence thresholds required to predict the impact of this variant on MYO15A protein function. In summary, the available evidence is currently insufficient to determine the role of this variant in disease. Therefore, it has been classified as a Variant of Uncertain Significance.

GeneDx
Classification: Uncertain significance. Last evaluated: 2021-11-05. Review status: criteria provided, single submitter. Criteria: GeneDx Variant Classification Process June 2021. Collection method: clinical testing. Allele origin: germline. Affected: yes.
Comment: In silico analysis supports that this missense variant has a deleterious effect on protein structure/function; Has not been previously published as pathogenic or benign to our knowledge

Department of Pathology and Laboratory Medicine, Sinai Health System
Classification: Uncertain significance for Autosomal recessive nonsyndromic hearing loss 3. Last evaluated: 2021-09-17. Review status: criteria provided, single submitter. Criteria: ACMG Guidelines, 2015. Collection method: research. Allele origin: germline.

Illumina Laboratory Services, Illumina
Classification: Uncertain significance for Autosomal recessive nonsyndromic hearing loss 3. Last evaluated: 2018-03-02. Review status: criteria provided, single submitter. Criteria: ICSL Variant Classification Criteria 13 December 2019. Collection method: clinical testing. Allele origin: germline.